The following is an entry in ClinVar:

ClinVar aggregate classification (germline): Uncertain significance (1 of 4 stars; one submission).

Conditions:
Inborn genetic diseases. Identifiers: MedGen C0950123, MeSH D030342.

Submission:

Ambry Genetics
Classification: Uncertain significance for Inborn genetic diseases. Last evaluated: 2025-11-17. Review status: criteria provided, single submitter. Criteria: Ambry Variant Classification Scheme 2023. Collection method: clinical testing. Allele origin: germline.
Comment: The p.E265Q variant (also known as c.793G>C), located in coding exon 3 of the MBD4 gene, results from a G to C substitution at nucleotide position 793. The glutamic acid at codon 265 is replaced by glutamine, an amino acid with highly similar properties. This amino acid position is conserved. In addition, this alteration is predicted to be tolerated by in silico analysis. Based on the available evidence, the clinical significance of this variant remains unclear.

NM_001276270.2(MBD4):c.793G>C (p.Glu265Gln)

Gene: MBD4 (methyl-CpG binding domain 4, DNA glycosylase; minus strand). Cytogenetic location: 3q21.3.
Variant type: single nucleotide variant.
Coding change: c.793G>C on transcript NM_001276270.2 (MANE Select); coding-DNA position 793, G replaced by C.
Protein change: p.Glu265Gln; replaces glutamic acid 265 with glutamine.
Molecular consequence: missense variant. On other transcripts: intron variant (1).
Genome position (GRCh38, 1-based): chr3:129,436,851, C>G on the plus strand (G>C on the coding strand, the complement: MBD4 is on the minus strand). VCF-style: chr3-129436851-C-G. GRCh37 (hg19) VCF-style: chr3-129155694-C-G.
Other names: c.793G>C, p.Glu265Gln (NM_001276271.2, NM_001276272.2, NM_003925.3); c.247+957G>C (NM_001276273.2); short protein forms E265Q.
Identifiers: ClinVar variation 4624422 (VCV004624422.1).